The following is an entry in ClinVar:

NM_000135.4(FANCA):c.1213C>G (p.Gln405Glu)

Gene: FANCA (FA complementation group A; minus strand). Cytogenetic location: 16q24.3.
Variant type: single nucleotide variant.
Coding change: c.1213C>G on transcript NM_000135.4 (MANE Select); coding-DNA position 1213, C replaced by G.
Protein change: p.Gln405Glu; replaces glutamine 405 with glutamic acid.
Molecular consequence: missense variant.
Genome position (GRCh38, 1-based): chr16:89,791,939, G>C on the plus strand (C>G on the coding strand, the complement: FANCA is on the minus strand). VCF-style: chr16-89791939-G-C. GRCh37 (hg19) VCF-style: chr16-89858347-G-C.
Other names: c.1213C>G, p.Gln405Glu (NM_001286167.3); short protein forms Q405E.
Identifiers: ClinVar variation 4824600 (VCV004824600.1).

ClinVar aggregate classification (germline): Uncertain significance (1 of 4 stars; one submission).

Conditions:
Inborn genetic diseases. Identifiers: MedGen C0950123, MeSH D030342.

Submission:

Ambry Genetics
Classification: Uncertain significance for Inborn genetic diseases. Last evaluated: 2026-02-13. Review status: criteria provided, single submitter. Criteria: Ambry Variant Classification Scheme 2023. Collection method: clinical testing. Allele origin: germline.
Comment: The p.Q405E variant (also known as c.1213C>G), located in coding exon 13 of the FANCA gene, results from a C to G substitution at nucleotide position 1213. The glutamine at codon 405 is replaced by glutamic acid, an amino acid with highly similar properties. This amino acid position is conserved. In addition, the in silico prediction for this alteration is inconclusive. Based on the available evidence, the clinical significance of this variant remains unclear.